The following is an entry in ClinVar:

NM_015488.5(PNKD):c.679C>T (p.Pro227Ser)

Genes: CATIP-AS2 (CATIP antisense RNA 2; minus strand), PNKD (PNKD metallo-beta-lactamase domain containing; plus strand). Cytogenetic location: 2q35.
Variant type: single nucleotide variant.
Coding change: c.679C>T on transcript NM_015488.5 (MANE Select); coding-DNA position 679, C replaced by T.
Protein change: p.Pro227Ser; replaces proline 227 with serine.
Molecular consequence: missense variant.
Genome position (GRCh38, 1-based): chr2:218,342,042, C>T. VCF-style: chr2-218342042-C-T. GRCh37 (hg19) VCF-style: chr2-219206765-C-T.
Other names: c.607C>T, p.Pro203Ser (NM_022572.5); short protein forms P203S, P227S.
Identifiers: ClinVar variation 4748905 (VCV004748905.1).

ClinVar aggregate classification (germline): Uncertain significance (1 of 4 stars; one submission).

Conditions:
Paroxysmal nonkinesigenic dyskinesia. Also called: Paroxysmal non-kinesigenic dyskinesia. Identifiers: Orphanet 98810, MedGen C1869117, MONDO:0700088.

Submission:

Labcorp Genetics (formerly Invitae), Labcorp
Classification: Uncertain significance for Paroxysmal nonkinesigenic dyskinesia. Last evaluated: 2025-05-02. Review status: criteria provided, single submitter. Criteria: Invitae Variant Classification Sherloc (09022015). Collection method: clinical testing. Allele origin: germline.
Comment: This sequence change replaces proline, which is neutral and non-polar, with serine, which is neutral and polar, at codon 227 of the PNKD protein (p.Pro227Ser). This variant is not present in population databases (gnomAD no frequency). This variant has not been reported in the literature in individuals affected with PNKD-related conditions. Invitae Evidence Modeling of protein sequence and biophysical properties (such as structural, functional, and spatial information, amino acid conservation, physicochemical variation, residue mobility, and thermodynamic stability) indicates that this missense variant is not expected to disrupt PNKD protein function with a negative predictive value of 80%. In summary, the available evidence is currently insufficient to determine the role of this variant in disease. Therefore, it has been classified as a Variant of Uncertain Significance.